The following is an entry in ClinVar:

NM_001844.5(COL2A1):c.661C>T (p.Gln221Ter)

Gene: COL2A1 (collagen type II alpha 1 chain; minus strand). Cytogenetic location: 12q13.11.
Variant type: single nucleotide variant.
Coding change: c.661C>T on transcript NM_001844.5 (MANE Select); coding-DNA position 661, C replaced by T.
Protein change: p.Gln221Ter; replaces glutamine 221 with a stop codon.
Molecular consequence: nonsense.
Genome position (GRCh38, 1-based): chr12:47,995,757, G>A on the plus strand (C>T on the coding strand, the complement: COL2A1 is on the minus strand). VCF-style: chr12-47995757-G-A. GRCh37 (hg19) VCF-style: chr12-48389540-G-A.
Other names: NM_001844.5:c.661C>T; c.454C>T, p.Gln152Ter (NM_033150.3); short protein forms Q152*, Q221*.
Identifiers: ClinVar variation 2021434 (VCV002021434.6), dbSNP rs2540174635, ClinGen allele CA384523793.

ClinVar aggregate classification (germline): Conflicting classifications of pathogenicity. Review status: criteria provided, conflicting classifications (1 of 4 stars). 2 submissions from 2 submitters: Pathogenic (1); Uncertain significance (1). Last evaluated 2022-09-08.

Conditions:
Stickler syndrome type 1 (STL1). Also called: ARTHROOPHTHALMOPATHY, HEREDITARY PROGRESSIVE; COL2A1-Related Stickler Syndrome; STICKLER SYNDROME, MEMBRANOUS VITREOUS TYPE; STICKLER SYNDROME, VITREOUS TYPE 1. Identifiers: Orphanet 828, Orphanet 90653, MedGen C2020284, MONDO:0007160, OMIM 108300.

Submissions (2):

Labcorp Genetics (formerly Invitae), Labcorp
Classification: Pathogenic. Last evaluated: 2022-09-08. Review status: criteria provided, single submitter. Criteria: Invitae Variant Classification Sherloc (09022015). Collection method: clinical testing. Allele origin: germline.
Comment: For these reasons, this variant has been classified as Pathogenic. This variant has not been reported in the literature in individuals affected with COL2A1-related conditions. This variant is not present in population databases (gnomAD no frequency). This sequence change creates a premature translational stop signal (p.Gln221*) in the COL2A1 gene. It is expected to result in an absent or disrupted protein product. Loss-of-function variants in COL2A1 are known to be pathogenic (PMID: 20179744).

Laboratory of Functional Genomics, Research Centre for Medical Genetics
Classification: Uncertain significance for Stickler syndrome type 1. Review status: criteria provided, single submitter. Criteria: ACMG Guidelines, 2015. Collection method: clinical testing. Allele origin: unknown. Inheritance: Sporadic. Affected: yes. Observed: 1 heterozygote.

Literature cited by the submitters: PubMed 20179744 (cited by Labcorp Genetics (formerly Invitae), Labcorp).